The following is an entry in ClinVar:

NM_000465.4(BARD1):c.87T>A (p.Asp29Glu)

Gene: BARD1 (BRCA1 associated RING domain 1; minus strand). Cytogenetic location: 2q35.
Variant type: single nucleotide variant.
Coding change: c.87T>A on transcript NM_000465.4 (MANE Select); coding-DNA position 87, T replaced by A.
Protein change: p.Asp29Glu; replaces aspartic acid 29 with glutamic acid.
Molecular consequence: missense variant. On other transcripts: non-coding transcript variant (3).
Genome position (GRCh38, 1-based): chr2:214,809,483, A>T on the plus strand (T>A on the coding strand, the complement: BARD1 is on the minus strand). VCF-style: chr2-214809483-A-T. GRCh37 (hg19) VCF-style: chr2-215674207-A-T.
Other names: c.87T>A, p.Asp29Glu (NM_001282543.2, NM_001282545.2, NM_001282548.2 and 1 more transcripts); short protein forms D29E.
Identifiers: ClinVar variation 629956 (VCV000629956.5), dbSNP rs1559454445, ClinGen allele CA350465100.

ClinVar aggregate classification (germline): Uncertain significance (1 of 4 stars; one submission).

Conditions:
Hereditary cancer-predisposing syndrome. Also called: Neoplastic Syndromes, Hereditary; Tumor predisposition; Hereditary neoplastic syndrome; Hereditary Cancer Syndrome. Identifiers: Orphanet 140162, MedGen C0027672, MeSH D009386, MONDO:0015356.

Submission:

Color Diagnostics, LLC DBA Color Health
Classification: Uncertain significance for Hereditary cancer-predisposing syndrome. Last evaluated: 2023-12-05. Review status: criteria provided, single submitter. Criteria: ACMG Guidelines, 2015. Collection method: clinical testing. Allele origin: germline.
Comment: This missense variant replaces aspartic acid with glutamic acid at codon 29 of the BARD1 protein. Computational prediction suggests that this variant may not impact protein structure and function (internally defined REVEL score threshold <= 0.5, PMID: 27666373). To our knowledge, functional studies have not been reported for this variant. This variant has not been reported in individuals affected with BARD1-related disorders in the literature. This variant has not been identified in the general population by the Genome Aggregation Database (gnomAD). The available evidence is insufficient to determine the role of this variant in disease conclusively. Therefore, this variant is classified as a Variant of Uncertain Significance.